The following is an entry in ClinVar:

NM_032348.4(MXRA8):c.289C>G (p.Gln97Glu)

Gene: MXRA8 (matrix remodeling associated 8; minus strand). Cytogenetic location: 1p36.33.
Variant type: single nucleotide variant.
Coding change: c.289C>G on transcript NM_032348.4 (MANE Select); coding-DNA position 289, C replaced by G.
Protein change: p.Gln97Glu; replaces glutamine 97 with glutamic acid.
Molecular consequence: missense variant. On other transcripts: intron variant (1).
Genome position (GRCh38, 1-based): chr1:1,355,537, G>C on the plus strand (C>G on the coding strand, the complement: MXRA8 is on the minus strand). VCF-style: chr1-1355537-G-C. GRCh37 (hg19) VCF-style: chr1-1290917-G-C.
Other names: c.289C>G, p.Gln97Glu (NM_001282582.2, NM_001282585.1); c.262C>G, p.Gln88Glu (NM_001282583.2); c.74-192C>G (NM_001282584.2); short protein forms Q97E, Q88E.
Identifiers: ClinVar variation 4980530 (VCV004980530.1).
Genomic context (GRCh38, chr1:1,355,537, plus strand): 5'-CGTCGAAGGCCGAGGCCGAGAGCTCCAGGCGGCCGCGGTCCCGCGCCTCGTACACGCGCT[G>C]CTCGCCCGCCGAGTACAAGTCCAGCAGGCGCCGCGCGGGGCCACCCCCGGGGCCGCGCAG-3'
Protein context (NP_115724.1, residues 87-107): RLLDLYSAGE[Gln97Glu]RVYEARDRGR

ClinVar aggregate classification (germline): Benign (1 of 4 stars; one submission).

Conditions:
MXRA8-related disorder. Also called: MXRA8-related condition.

Submission:

PreventionGenetics, part of Exact Sciences
Classification: Benign for MXRA8-related condition. Last evaluated: 2026-09-15. Review status: criteria provided, single submitter. Criteria: ACMG Guidelines, 2015. Collection method: clinical testing. Allele origin: germline.
Comment: This variant is classified as benign based on ACMG/AMP sequence variant interpretation guidelines (Richards et al. 2015 PMID: 25741868, with internal and published modifications).